The following is an entry in ClinVar:

ClinVar aggregate classification (germline): Benign (1 of 4 stars; one submission).

Conditions:
Familial adenomatous polyposis 1 (FAP1). Also called: POLYPOSIS, ADENOMATOUS INTESTINAL; FAMILIAL ADENOMATOUS POLYPOSIS 1, ATTENUATED. Identifiers: MedGen C2713442, MONDO:0021056, OMIM 175100. Disease mechanism: loss of function.

Submission:

Myriad Genetics, Inc.
Classification: Benign for Familial adenomatous polyposis 1. Last evaluated: 2024-02-23. Review status: criteria provided, single submitter. Criteria: Myriad Autosomal Dominant, Autosomal Recessive and X-Linked Classification Criteria (2023). Collection method: clinical testing. Allele origin: unknown.
Comment: This variant is considered benign. This variant is a silent/synonymous amino acid change and it is not expected to impact splicing.

NM_000038.6(APC):c.361A>C (p.Arg121=)

Gene: APC (APC regulator of Wnt signaling pathway; plus strand). Cytogenetic location: 5q22.2.
Variant type: single nucleotide variant.
Coding change: c.361A>C on transcript NM_000038.6 (MANE Select); coding-DNA position 361, A replaced by C.
Protein change: p.Arg121=; no amino-acid change (arginine 121 retained).
Molecular consequence: synonymous variant. On other transcripts: 5 prime UTR variant (4), non-coding transcript variant (2).
Genome position (GRCh38, 1-based): chr5:112,767,329, A>C. VCF-style: chr5-112767329-A-C. GRCh37 (hg19) VCF-style: chr5-112103026-A-C.
Other names: c.361A>C, p.Arg121= (NM_001127510.3, NM_001354895.2, NM_001354896.2 and 16 more transcripts); c.391A>C, p.Arg131= (NM_001127511.3, NM_001354897.2, NM_001354902.2 and 1 more transcripts); c.286A>C, p.Arg96= (NM_001354898.2, NM_001354904.2, NM_001407451.1); c.184A>C, p.Arg62= (NM_001354900.2, NM_001354901.2, NM_001354905.2 and 1 more transcripts); c.-675A>C (NM_001354906.2, NM_001407470.1, NM_001407471.1 and 1 more transcripts).
Identifiers: ClinVar variation 3148216 (VCV003148216.1), dbSNP rs2532299619, ClinGen allele CA445753377.
Genomic context (GRCh38, chr5:112,767,329, plus strand): 5'-GGATCTGTATCAAGCCGTTCTGGAGAGTGCAGTCCTGTTCCTATGGGTTCATTTCCAAGA[A>C]GAGGGTTTGTAAATGGAAGCAGAGAAAGTACTGGATATTTAGAAGAACTTGAGAAAGAGA-3'
Protein context (NP_000029.2, residues 111-131): SPVPMGSFPR[Arg121=]GFVNGSREST